The following is an entry in ClinVar:

ClinVar aggregate classification (germline): Uncertain significance (1 of 4 stars; one submission).

Conditions:
Hypertrophic cardiomyopathy. Also called: HYPERTROPHIC MYOCARDIOPATHY. Identifiers: Orphanet 217569, MedGen C0007194, MeSH D002312, MONDO:0005045, HP:0001639.

Allele frequency attached by ClinVar (database versions not stated): gnomAD exomes below 0.00001.
gnomAD v4.1: 1 of 1,614,176 alleles (0.000062%); highest among the groups gnomAD compares: Non-Finnish European, 0.000085%; no homozygotes.

Submission:

Labcorp Genetics (formerly Invitae), Labcorp
Classification: Uncertain significance for Hypertrophic cardiomyopathy. Last evaluated: 2023-09-17. Review status: criteria provided, single submitter. Criteria: Invitae Variant Classification Sherloc (09022015). Collection method: clinical testing. Allele origin: germline.
Comment: This sequence change replaces alanine, which is neutral and non-polar, with aspartic acid, which is acidic and polar, at codon 938 of the MYH7 protein (p.Ala938Asp). This variant is not present in population databases (gnomAD no frequency). In summary, the available evidence is currently insufficient to determine the role of this variant in disease. Therefore, it has been classified as a Variant of Uncertain Significance. Advanced modeling of protein sequence and biophysical properties (such as structural, functional, and spatial information, amino acid conservation, physicochemical variation, residue mobility, and thermodynamic stability) performed at Invitae indicates that this missense variant is expected to disrupt MYH7 protein function. ClinVar contains an entry for this variant (Variation ID: 1417404). This variant has not been reported in the literature in individuals affected with MYH7-related conditions.

NM_000257.4(MYH7):c.2813C>A (p.Ala938Asp)

Gene: MYH7 (myosin heavy chain 7; minus strand). Cytogenetic location: 14q11.2.
Variant type: single nucleotide variant.
Coding change: c.2813C>A on transcript NM_000257.4 (MANE Select); coding-DNA position 2813, C replaced by A.
Protein change: p.Ala938Asp; replaces alanine 938 with aspartic acid.
Molecular consequence: missense variant.
Genome position (GRCh38, 1-based): chr14:23,424,016, G>T on the plus strand (C>A on the coding strand, the complement: MYH7 is on the minus strand). VCF-style: chr14-23424016-G-T. GRCh37 (hg19) VCF-style: chr14-23893225-G-T.
Other names: short protein forms A938D.
Identifiers: ClinVar variation 1417404 (VCV001417404.6), dbSNP rs2138663527, ClinGen allele CA389046963.